The following is an entry in ClinVar:

ClinVar aggregate classification (germline): Likely benign. Review status: criteria provided, multiple submitters, no conflicts (2 of 4 stars). 3 submissions from 3 submitters: Likely benign (2). 1 of the submissions does not count toward it. Last evaluated 2025-12-01.

Conditions:
ATP6V1A-related disorder. Also called: ATP6V1A-related condition.

Allele frequency attached by ClinVar (database versions not stated): gnomAD 0.00004; gnomAD exomes 0.00005 and 0.00027; TOPMed 0.00020; ExAC 0.00021.
gnomAD v4.1: 80 of 1,613,948 alleles (0.005%); highest among the groups gnomAD compares: Admixed American, 0.13%; 1 homozygote.

Submissions (3):

CeGaT Center for Human Genetics Tuebingen
Classification: Likely benign. Last evaluated: 2025-12-01. Review status: criteria provided, single submitter. Criteria: CeGaT Center For Human Genetics Tuebingen Variant Classification Criteria Version 2. Collection method: clinical testing. Allele origin: germline. Affected: yes. Observed: 1 variant allele.
Comment: ATP6V1A: BP4, BP7

Labcorp Genetics (formerly Invitae), Labcorp
Classification: Likely benign. Last evaluated: 2025-07-30. Review status: criteria provided, single submitter. Criteria: Invitae Variant Classification Sherloc (09022015). Collection method: clinical testing. Allele origin: germline.

PreventionGenetics, part of Exact Sciences
Classification: Likely benign for ATP6V1A-related condition. Last evaluated: 2019-12-24. Review status: no assertion criteria provided. Collection method: clinical testing. Allele origin: germline. Not counted in ClinVar's aggregate classification.
Comment: This variant is classified as likely benign based on ACMG/AMP sequence variant interpretation guidelines (Richards et al. 2015 PMID: 25741868, with internal and published modifications).

NM_001690.4(ATP6V1A):c.318G>A (p.Leu106=)

Gene: ATP6V1A (ATPase H+ transporting V1 subunit A; plus strand). Cytogenetic location: 3q13.31.
Variant type: single nucleotide variant.
Coding change: c.318G>A on transcript NM_001690.4 (MANE Select); coding-DNA position 318, G replaced by A.
Protein change: p.Leu106=; no amino-acid change (leucine 106 retained).
Molecular consequence: synonymous variant.
Genome position (GRCh38, 1-based): chr3:113,784,330, G>A. VCF-style: chr3-113784330-G-A. GRCh37 (hg19) VCF-style: chr3-113503177-G-A.
Identifiers: ClinVar variation 736751 (VCV000736751.16), dbSNP rs753216033, ClinGen allele CA2547805.